The following is an entry in ClinVar:

NM_006005.3(WFS1):c.58C>T (p.Gln20Ter)

Gene: WFS1 (wolframin ER transmembrane glycoprotein; plus strand). Cytogenetic location: 4p16.1.
Variant type: single nucleotide variant.
Coding change: c.58C>T on transcript NM_006005.3 (MANE Select); coding-DNA position 58, C replaced by T.
Protein change: p.Gln20Ter; replaces glutamine 20 with a stop codon.
Molecular consequence: nonsense.
Genome position (GRCh38, 1-based): chr4:6,277,513, C>T. VCF-style: chr4-6277513-C-T. GRCh37 (hg19) VCF-style: chr4-6279240-C-T.
Other names: c.58C>T, p.Gln20Ter (NM_001145853.1); short protein forms Q20*.
Identifiers: ClinVar variation 2961085 (VCV002961085.3), dbSNP rs1417020694, ClinGen allele CA356169508.

ClinVar aggregate classification (germline): Pathogenic (1 of 4 stars; one submission).

Allele frequency attached by ClinVar (database versions not stated): gnomAD 0.00001; gnomAD exomes below 0.00001.
gnomAD v4.1: 2 of 1,582,080 alleles (0.00013%); highest among the groups gnomAD compares: Admixed American, 0.0018%; no homozygotes.

Submission:

Labcorp Genetics (formerly Invitae), Labcorp
Classification: Pathogenic. Last evaluated: 2025-11-23. Review status: criteria provided, single submitter. Criteria: Invitae Variant Classification Sherloc (09022015). Collection method: clinical testing. Allele origin: germline.
Comment: This sequence change creates a premature translational stop signal (p.Gln20*) in the WFS1 gene. It is expected to result in an absent or disrupted protein product. Loss-of-function variants in WFS1 are known to be pathogenic (PMID: 12955714). This variant is present in population databases (no rsID available, gnomAD 0.1%). This variant has not been reported in the literature in individuals affected with WFS1-related conditions. ClinVar contains an entry for this variant (Variation ID: 2961085). For these reasons, this variant has been classified as Pathogenic.

Literature cited by the submitters: PubMed 12955714.